The following is an entry in ClinVar:

ClinVar aggregate classification (germline): Likely benign (1 of 4 stars; one submission).

Allele frequency attached by ClinVar (database versions not stated): gnomAD exomes below 0.00001.

Submission:

CeGaT Center for Human Genetics Tuebingen
Classification: Likely benign. Last evaluated: 2022-06-01. Review status: criteria provided, single submitter. Criteria: CeGaT Center For Human Genetics Tuebingen Variant Classification Criteria Version 2. Collection method: clinical testing. Allele origin: germline. Affected: yes. Observed: 1 variant allele.
Comment: OR1K1: PM2:Supporting, BP4, BP7

NM_080859.1(OR1K1):c.54G>A (p.Leu18=)

Gene: OR1K1 (olfactory receptor family 1 subfamily K member 1; plus strand). Cytogenetic location: 9q33.2.
Variant type: single nucleotide variant.
Coding change: c.54G>A on transcript NM_080859.1 (MANE Select); coding-DNA position 54, G replaced by A.
Protein change: p.Leu18=; no amino-acid change (leucine 18 retained).
Molecular consequence: synonymous variant.
Genome position (GRCh38, 1-based): chr9:122,800,176, G>A. VCF-style: chr9-122800176-G-A. GRCh37 (hg19) VCF-style: chr9-125562455-G-A.
Identifiers: ClinVar variation 2659486 (VCV002659486.24), dbSNP rs2538127072, ClinGen allele CA467199144.
Genomic context (GRCh38, chr9:122,800,176, plus strand): 5'-GCCTGCCATGGAGGCTGCCAATGAGTCTTCAGAGGGAATCTCATTCGTTTTATTGGGACT[G>A]ACAACAAGTCCTGGACAGCAGCGGCCTCTCTTTGTGCTGTTCTTGCTCTTGTATGTGGCC-3'
Protein context (NP_543135.1, residues 8-28): SEGISFVLLG[Leu18=]TTSPGQQRPL